The following is an entry in ClinVar:

ClinVar aggregate classification (germline): Uncertain significance (1 of 4 stars; one submission).

Submissions (2):

GeneDx
Classification: Uncertain significance. Last evaluated: 2022-02-11. Review status: criteria provided, single submitter. Criteria: GeneDx Variant Classification Process June 2021. Collection method: clinical testing. Allele origin: germline. Affected: yes.
Comment: Not observed at significant frequency in large population cohorts (gnomAD); In silico analysis supports that this missense variant does not alter protein structure/function; Has not been previously published as pathogenic or benign to our knowledge; Variants in candidate genes are classified as variants of uncertain significance in accordance with ACMG guidelines (Richards et al., 2015)

Dr. Peter K. Rogan Lab, Western University
No classification provided (evidence only). Condition: Thyroid cancer, nonmedullary, 1. Review status: no classification provided. Collection method: in vitro. Allele origin: not applicable. Functional consequence: skipped exon. Not counted in ClinVar's aggregate classification.

NM_019045.5(WDR44):c.371C>T (p.Ala124Val)

Gene: WDR44 (WD repeat domain 44; plus strand). Cytogenetic location: Xq24.
Variant type: single nucleotide variant.
Coding change: c.371C>T on transcript NM_019045.5 (MANE Select); coding-DNA position 371, C replaced by T.
Protein change: p.Ala124Val; replaces alanine 124 with valine.
Molecular consequence: missense variant.
Genome position (GRCh38, 1-based): chrX:118,392,816, C>T. VCF-style: chrX-118392816-C-T. GRCh37 (hg19) VCF-style: chrX-117526779-C-T.
Other names: NC_000023.10:g.117526779C>T; c.371C>T, p.Ala124Val (NM_001184965.2); c.296C>T, p.Ala99Val (NM_001184966.1); short protein forms A124V, A99V.
Identifiers: ClinVar variation 3342392 (VCV003342392.2).
Genomic context (GRCh38, chrX:118,392,816, plus strand): 5'-TGAGCAATATACCCGGACTGTTAGCCATAGATCAAGTACTACCGGAAGAATCCCAAAAGG[C>T]AGAGAGTCAGAATACATTTGAAGAGACTGAATTAGAATTAAAAAAATGCTTTCCTTCTGA-3'
Protein context (NP_061918.3, residues 114-134): DQVLPEESQK[Ala124Val]ESQNTFEETE